The following is an entry in ClinVar:

ClinVar aggregate classification (germline): Pathogenic. Review status: criteria provided, single submitter (1 of 4 stars). 2 submissions from 2 submitters: Pathogenic (1). 1 of the submissions does not count toward it. Last evaluated 2024-05-23.

Conditions:
Hereditary spastic paraplegia 11. Also called: SPASTIC PARAPLEGIA, AUTOSOMAL RECESSIVE, COMPLICATED, WITH THIN CORPUS CALLOSUM; SPASTIC PARAPLEGIA, AUTOSOMAL RECESSIVE, WITH MENTAL IMPAIRMENT AND THIN CORPUS CALLOSUM; Spastic paraplegia, mental retardation and thin corpus callosum; Spastic Paraplegia 11; Nakamura Osame syndrome; Autosomal recessive hereditary spastic paraplegia, mental impairment, and thin corpus callosum. Identifiers: Orphanet 2822, MedGen C1858479, MONDO:0011445, OMIM 604360.

Allele frequency attached by ClinVar (database versions not stated): gnomAD exomes below 0.00001.
gnomAD v4.1: 1 of 1,614,120 alleles (0.000062%); highest among the groups gnomAD compares: South Asian, 0.0011%; no homozygotes.

Submissions (2):

GeneDx
Classification: Pathogenic. Last evaluated: 2024-05-23. Review status: criteria provided, single submitter. Criteria: GeneDx Variant Classification Process June 2021. Collection method: clinical testing. Allele origin: germline. Affected: yes.
Comment: Nonsense variant predicted to result in protein truncation or nonsense mediated decay in a gene for which loss of function is a known mechanism of disease; Not observed at significant frequency in large population cohorts (gnomAD); This variant is associated with the following publications: (PMID: 25525159, 20390432)

GeneReviews
No classification provided. Condition: Hereditary spastic paraplegia 11. Review status: no classification provided. Collection method: literature only. Allele origin: unknown. Not counted in ClinVar's aggregate classification.

Literature cited by the submitters: PubMed 20390432 (cited by GeneReviews); PubMed 20301389 (cited by GeneReviews); NCBI Bookshelf NBK1210 (cited by GeneReviews).

NM_025137.4(SPG11):c.4846C>T (p.Gln1616Ter)

Gene: SPG11 (SPG11 vesicle trafficking associated, spatacsin; minus strand). Cytogenetic location: 15q21.1.
Variant type: single nucleotide variant.
Coding change: c.4846C>T on transcript NM_025137.4 (MANE Select); coding-DNA position 4846, C replaced by T.
Protein change: p.Gln1616Ter; replaces glutamine 1616 with a stop codon.
Molecular consequence: nonsense.
Genome position (GRCh38, 1-based): chr15:44,589,312, G>A on the plus strand (C>T on the coding strand, the complement: SPG11 is on the minus strand). VCF-style: chr15-44589312-G-A. GRCh37 (hg19) VCF-style: chr15-44881510-G-A.
Other names: c.4846C>T, p.Gln1616Ter (NM_001160227.2); short protein forms Q1616*.
Identifiers: ClinVar variation 41319 (VCV000041319.3), dbSNP rs312262762, ClinGen allele CA344349.